The following is an entry in ClinVar:

NM_000313.4(PROS1):c.-62T>G

Gene: PROS1 (protein S; minus strand). Cytogenetic location: 3q11.1.
Variant type: single nucleotide variant.
Coding change: c.-62T>G on transcript NM_000313.4 (MANE Select); 62 bases upstream of the start codon, T replaced by G.
Molecular consequence: 5 prime UTR variant.
Genome position (GRCh38, 1-based): chr3:93,973,811, A>C on the plus strand (T>G on the coding strand, the complement: PROS1 is on the minus strand). VCF-style: chr3-93973811-A-C. GRCh37 (hg19) VCF-style: chr3-93692655-A-C.
Other names: p.?; c.-62T>G (NM_001314077.2).
Identifiers: ClinVar variation 346897 (VCV000346897.7), dbSNP rs556711298, ClinGen allele CA10619709.

ClinVar aggregate classification (germline): Benign/Likely benign. Review status: criteria provided, multiple submitters, no conflicts (2 of 4 stars). 2 submissions from 2 submitters: Benign (1); Likely benign (1). Last evaluated 2025-10-22.

Conditions:
Thrombophilia due to protein S deficiency, autosomal dominant (THPH5). Identifiers: Orphanet 26349, Orphanet 743, MedGen C3278211, MONDO:0012868, OMIM 612336. Disease mechanism: loss of function.

Allele frequency attached by ClinVar (database versions not stated): 1000 Genomes Project 0.00220; 1000 Genomes Project 30x 0.00250; gnomAD 0.00299 and 0.00328; TOPMed 0.00332.
gnomAD v4.1: 823 of 1,447,760 alleles (0.057%); highest among the groups gnomAD compares: African/African-American, 1.1%; 3 homozygotes.

Submissions (2):

Mayo Clinic Laboratories, Mayo Clinic
Classification: Benign. Last evaluated: 2025-10-22. Review status: criteria provided, single submitter. Criteria: ACMG Guidelines, 2015. Collection method: clinical testing. Allele origin: germline. Observed: 2 variant alleles.
Comment: BS1, BS2, BP4, BP7

Illumina Laboratory Services, Illumina
Classification: Likely benign for Thrombophilia due to protein S deficiency, autosomal dominant. Last evaluated: 2018-01-12. Review status: criteria provided, single submitter. Criteria: ICSL Variant Classification Criteria 13 December 2019. Collection method: clinical testing. Allele origin: germline.
Comment: This variant was observed in the ICSL laboratory as part of a predisposition screen in an ostensibly healthy population. It had not been previously curated by ICSL or reported in the Human Gene Mutation Database (HGMD: prior to June 1st, 2018), and was therefore a candidate for classification through an automated scoring system. Utilizing variant allele frequency, disease prevalence and penetrance estimates, and inheritance mode, an automated score was calculated to assess if this variant is too frequent to cause the disease. Based on the score and internal cut-off values, a variant classified as likely benign is not then subjected to further curation. The score for this variant resulted in a classification of likely benign for this disease.